The following is an entry in ClinVar:

NM_001365951.3(KIF1B):c.3892A>G (p.Ile1298Val)

Gene: KIF1B (kinesin family member 1B; plus strand). Cytogenetic location: 1p36.22.
Variant type: single nucleotide variant.
Coding change: c.3892A>G on transcript NM_001365951.3 (MANE Select); coding-DNA position 3892, A replaced by G.
Protein change: p.Ile1298Val; replaces isoleucine 1298 with valine.
Molecular consequence: missense variant.
Genome position (GRCh38, 1-based): chr1:10,348,676, A>G. VCF-style: chr1-10348676-A-G. GRCh37 (hg19) VCF-style: chr1-10408734-A-G.
Other names: c.3892A>G, p.Ile1298Val (NM_001365952.1); c.3754A>G, p.Ile1252Val (NM_015074.3); short protein forms I1252V, I1298V.
Identifiers: ClinVar variation 649366 (VCV000649366.12), dbSNP rs529804940, ClinGen allele CA17846272.
Genomic context (GRCh38, chr1:10,348,676, plus strand): 5'-TCAGCTAAATTGCAACCCTGCTTCATTACCTAGGGCATCCAGCGAAGGATCACAGTGACC[A>G]TTATCCATGAGAAGGGGAGCGAGCTCCATTGGAAAGATGTTCGTGAACTGGTGGTAGGTG-3'
Protein context (NP_001352880.1, residues 1288-1308): QGIQRRITVT[Ile1298Val]IHEKGSELHW

ClinVar aggregate classification (germline): Uncertain significance. Review status: criteria provided, multiple submitters, no conflicts (2 of 4 stars). 4 submissions from 4 submitters: Uncertain significance (4). Last evaluated 2026-01-04.

Conditions:
Charcot-Marie-Tooth disease type 2A1. Also called: HEREDITARY MOTOR AND SENSORY NEUROPATHY IIA1; CHARCOT-MARIE-TOOTH DISEASE, AXONAL, TYPE 2A1; CHARCOT-MARIE-TOOTH DISEASE, AXONAL, AUTOSOMAL DOMINANT, TYPE 2A1; CHARCOT-MARIE-TOOTH DISEASE, NEURONAL, TYPE 2A1; CHARCOT-MARIE-TOOTH NEUROPATHY, TYPE 2A1. Identifiers: Orphanet 99946, MedGen C1861678, MONDO:0007308, OMIM 118210.
Charcot-Marie-Tooth disease. Also called: Charcot-Marie-Tooth Neuropathy; Charcot-Marie-Tooth Hereditary Neuropathy. Identifiers: Orphanet 166, MedGen C0007959, MONDO:0015626.
Charcot-Marie-Tooth disease type 2. Also called: Charcot-Marie-Tooth type 2. Identifiers: Orphanet 64746, MedGen C0270914, MONDO:0018993.

Allele frequency attached by ClinVar (database versions not stated): gnomAD 0.00001; 1000 Genomes Project 30x 0.00016; 1000 Genomes Project 0.00020.
gnomAD v4.1: 4 of 1,614,162 alleles (0.00025%); highest among the groups gnomAD compares: African/African-American, 0.0013%; no homozygotes.

Submissions (4):

Labcorp Genetics (formerly Invitae), Labcorp
Classification: Uncertain significance for Charcot-Marie-Tooth disease type 2. Last evaluated: 2026-01-04. Review status: criteria provided, single submitter. Criteria: Invitae Variant Classification Sherloc (09022015). Collection method: clinical testing. Allele origin: germline.
Comment: This sequence change replaces isoleucine, which is neutral and non-polar, with valine, which is neutral and non-polar, at codon 1252 of the KIF1B protein (p.Ile1252Val). This variant is not present in population databases (gnomAD no frequency). This missense change has been observed in individual(s) with Charcot-Marie-Tooth disease (PMID: 32376792). ClinVar contains an entry for this variant (Variation ID: 649366). An algorithm developed to predict the effect of missense changes on protein structure and function (PolyPhen-2) suggests that this variant is likely to be tolerated. In summary, the available evidence is currently insufficient to determine the role of this variant in disease. Therefore, it has been classified as a Variant of Uncertain Significance.

Ambry Genetics
Classification: Uncertain significance. Last evaluated: 2023-12-12. Review status: criteria provided, single submitter. Criteria: Ambry Variant Classification Scheme 2023. Collection method: clinical testing. Allele origin: germline.
Comment: The p.I1252V variant (also known as c.3754A>G), located in coding exon 34 of the KIF1B gene, results from an A to G substitution at nucleotide position 3754. The isoleucine at codon 1252 is replaced by valine, an amino acid with highly similar properties. This amino acid position is well conserved in available vertebrate species. In addition, this alteration is predicted to be tolerated by in silico analysis. The evidence for this gene-disease relationship is limited; therefore, the clinical significance of this alteration is unclear.

Neuberg Centre For Genomic Medicine, NCGM
Classification: Uncertain significance for Charcot-Marie-Tooth disease type 2A1. Last evaluated: 2023-07-22. Review status: criteria provided, single submitter. Criteria: ACMG Guidelines, 2015. Collection method: clinical testing. Allele origin: germline. Inheritance: Autosomal dominant inheritance. Affected: yes.
Comment: The observed missense variant c.3892A>Gp.Ile1298Val in KIF1B gene has been reported previously in individuals with Charcot-Marie-Tooth disease Volodarsky M, et al., 2021. The p.Ile1298Val variant is absent in gnomAD Exomes. This variant has been reported to the ClinVar database as Uncertain Significance. However, no details are available for independent assessment. Computational evidence Polyphen-Benign, SIFT-Tolerated and Mutation Taster-Disease causing predicts conflicting evidence on protein structure and function for this variant.The amino acid Ile at position 1298 is changed to a Val changing protein sequence and it might alter its composition and physico-chemical properties. The reference amino acid p.Ile1298Val in KIF1B is predicted as conserved by GERP++ and PhyloP across 100 vertebrates. For these reasons, this variant has been classified as Uncertain Significance.

Molecular Genetics Laboratory, London Health Sciences Centre
Classification: Uncertain significance for Charcot-Marie-Tooth disease. Review status: criteria provided, single submitter. Criteria: ACMG Guidelines, 2015. Collection method: clinical testing. Allele origin: germline. Affected: yes.

Literature cited by the submitters: PubMed 32376792 (cited by Labcorp Genetics (formerly Invitae), Labcorp).